The following is an entry in ClinVar:

NM_007118.4(TRIO):c.9231T>A (p.Asn3077Lys)

Gene: TRIO (trio Rho guanine nucleotide exchange factor; plus strand). Cytogenetic location: 5p15.2.
Variant type: single nucleotide variant.
Coding change: c.9231T>A on transcript NM_007118.4 (MANE Select); coding-DNA position 9231, T replaced by A.
Protein change: p.Asn3077Lys; replaces asparagine 3077 with lysine.
Molecular consequence: missense variant. On other transcripts: non-coding transcript variant (1).
Genome position (GRCh38, 1-based): chr5:14,508,359, T>A. VCF-style: chr5-14508359-T-A. GRCh37 (hg19) VCF-style: chr5-14508468-T-A.
Other names: short protein forms N3077K.
Identifiers: ClinVar variation 2574962 (VCV002574962.2), dbSNP rs1472877382, ClinGen allele CA359241665.

ClinVar aggregate classification (germline): Uncertain significance (1 of 4 stars; one submission).

Allele frequency attached by ClinVar (database versions not stated): gnomAD exomes below 0.00001.
gnomAD v4.1: 1 of 1,614,014 alleles (0.000062%); highest among the groups gnomAD compares: Non-Finnish European, 0.000085%; no homozygotes.

Submission:

GeneDx
Classification: Uncertain significance. Last evaluated: 2024-06-25. Review status: criteria provided, single submitter. Criteria: GeneDx Variant Classification Process June 2021. Collection method: clinical testing. Allele origin: germline. Affected: yes.
Comment: Not observed at significant frequency in large population cohorts (gnomAD); In silico analysis supports that this missense variant has a deleterious effect on protein structure/function; Has not been previously published as pathogenic or benign to our knowledge